The following is an entry in ClinVar:

ClinVar aggregate classification (germline): Uncertain significance (1 of 4 stars; one submission).

Conditions:
Developmental and epileptic encephalopathy, 30 (DEE30). Also called: Epileptic encephalopathy, early infantile, 30. Identifiers: MedGen C4225360, MONDO:0014595, OMIM 616341.

Submission:

Labcorp Genetics (formerly Invitae), Labcorp
Classification: Uncertain significance for Epileptic encephalopathy, early infantile, 30. Last evaluated: 2019-08-29. Review status: criteria provided, single submitter. Criteria: Invitae Variant Classification Sherloc (09022015). Collection method: clinical testing. Allele origin: germline.
Comment: This sequence change replaces serine with phenylalanine at codon 512 of the SIK1 protein (p.Ser512Phe). The serine residue is highly conserved and there is a large physicochemical difference between serine and phenylalanine. This variant is not present in population databases (ExAC no frequency). This variant has not been reported in the literature in individuals with SIK1-related conditions. Algorithms developed to predict the effect of missense changes on protein structure and function are either unavailable or do not agree on the potential impact of this missense change (SIFT: "Tolerated"; PolyPhen-2: "Probably Damaging"; Align-GVGD: "Class C0"). In summary, the available evidence is currently insufficient to determine the role of this variant in disease. Therefore, it has been classified as a Variant of Uncertain Significance.

NM_173354.5(SIK1):c.1535C>T (p.Ser512Phe)

Gene: SIK1 (salt inducible kinase 1; minus strand). Cytogenetic location: 21q22.3.
Variant type: single nucleotide variant.
Coding change: c.1535C>T on transcript NM_173354.5 (MANE Select); coding-DNA position 1535, C replaced by T.
Protein change: p.Ser512Phe; replaces serine 512 with phenylalanine.
Molecular consequence: missense variant.
Genome position (GRCh38, 1-based): chr21:43,418,469, G>A on the plus strand (C>T on the coding strand, the complement: SIK1 is on the minus strand). VCF-style: chr21-43418469-G-A. GRCh37 (hg19) VCF-style: chr21-44838349-G-A.
Other names: short protein forms S512F.
Identifiers: ClinVar variation 963430 (VCV000963430.1), dbSNP rs2081042854, ClinGen allele CA410607802.